The following is an entry in ClinVar:

NM_172107.4(KCNQ2):c.1525+199A>G

Gene: KCNQ2 (potassium voltage-gated channel subfamily Q member 2; minus strand). Cytogenetic location: 20q13.33.
Variant type: single nucleotide variant.
Coding change: c.1525+199A>G on transcript NM_172107.4 (MANE Select); 199 bases into the intron after coding-DNA position 1525, A replaced by G.
Molecular consequence: intron variant.
Genome position (GRCh38, 1-based): chr20:63,414,704, T>C on the plus strand (A>G on the coding strand, the complement: KCNQ2 is on the minus strand). VCF-style: chr20-63414704-T-C. GRCh37 (hg19) VCF-style: chr20-62046057-T-C.
Other names: c.1441+199A>G (NM_004518.6); c.1435+199A>G (NM_172108.5); c.1471+199A>G (NM_172106.3).
Identifiers: ClinVar variation 677684 (VCV000677684.1), dbSNP rs112733886, ClinGen allele CA317430599.

ClinVar aggregate classification (germline): Likely benign (1 of 4 stars; one submission).

Allele frequency attached by ClinVar (database versions not stated): gnomAD 0.00706 and 0.00756; TOPMed 0.00799; 1000 Genomes Project 0.00919; 1000 Genomes Project 30x 0.01046.
gnomAD v4.1: 1,061 of 151,668 alleles (0.7%); highest among the groups gnomAD compares: African/African-American, 2.4%; 10 homozygotes.

Submission:

GeneDx
Classification: Likely benign. Last evaluated: 2018-06-14. Review status: criteria provided, single submitter. Criteria: GeneDx Variant Classification (06012015). Collection method: clinical testing. Allele origin: germline. Affected: yes.
Comment: This variant is considered likely benign or benign based on one or more of the following criteria: it is a conservative change, it occurs at a poorly conserved position in the protein, it is predicted to be benign by multiple in silico algorithms, and/or has population frequency not consistent with disease.